The following is an entry in ClinVar:

NM_001080779.2(MYO1C):c.2437C>T (p.Arg813Cys)

Gene: MYO1C (myosin IC; minus strand). Cytogenetic location: 17p13.3.
Variant type: single nucleotide variant.
Coding change: c.2437C>T on transcript NM_001080779.2 (MANE Select); coding-DNA position 2437, C replaced by T.
Protein change: p.Arg813Cys; replaces arginine 813 with cysteine.
Molecular consequence: missense variant.
Genome position (GRCh38, 1-based): chr17:1,470,264, G>A on the plus strand (C>T on the coding strand, the complement: MYO1C is on the minus strand). VCF-style: chr17-1470264-G-A. GRCh37 (hg19) VCF-style: chr17-1373558-G-A.
Other names: c.2380C>T, p.Arg794Cys (NM_001080950.2); c.2365C>T, p.Arg789Cys (NM_001363855.1); c.2332C>T, p.Arg778Cys (NM_033375.5); short protein forms R813C, R794C, R778C, R789C.
Identifiers: ClinVar variation 683482 (VCV000683482.5), dbSNP rs77445493, ClinGen allele CA8266991.

ClinVar aggregate classification (germline): Benign. Review status: criteria provided, multiple submitters, no conflicts (2 of 4 stars). 3 submissions from 3 submitters: Benign (3). Last evaluated 2018-06-29.

Allele frequency attached by ClinVar (database versions not stated): gnomAD exomes 0.00074 and 0.00194; ExAC 0.00306; ESP Exome Variant Server 0.00747; 1000 Genomes Project 0.00799; gnomAD 0.00810 and 0.00870; 1000 Genomes Project 30x 0.00874; TOPMed 0.00916.
gnomAD v4.1: 2,388 of 1,602,966 alleles (0.15%); highest among the groups gnomAD compares: African/African-American, 2.6%; 35 homozygotes.

Submissions (3):

Labcorp Genetics (formerly Invitae), Labcorp
Classification: Benign. Last evaluated: 2018-06-29. Review status: criteria provided, single submitter. Criteria: Invitae Variant Classification Sherloc (09022015). Collection method: clinical testing. Allele origin: germline.

GeneDx
Classification: Benign. Last evaluated: 2018-05-24. Review status: criteria provided, single submitter. Criteria: GeneDx Variant Classification (06012015). Collection method: clinical testing. Allele origin: germline. Affected: yes.
Comment: This variant is considered likely benign or benign based on one or more of the following criteria: it is a conservative change, it occurs at a poorly conserved position in the protein, it is predicted to be benign by multiple in silico algorithms, and/or has population frequency not consistent with disease.

Breakthrough Genomics
Classification: Benign. Review status: criteria provided, single submitter. Criteria: ACMG Guidelines, 2015. Collection method: not provided. Allele origin: germline. Inheritance: Unknown mechanism. Affected: yes.